The following is an entry in ClinVar:

NM_003098.3(SNTA1):c.190C>G (p.Leu64Val)

Gene: SNTA1 (syntrophin alpha 1; minus strand). Cytogenetic location: 20q11.21.
Variant type: single nucleotide variant.
Coding change: c.190C>G on transcript NM_003098.3 (MANE Select); coding-DNA position 190, C replaced by G.
Protein change: p.Leu64Val; replaces leucine 64 with valine.
Molecular consequence: missense variant.
Genome position (GRCh38, 1-based): chr20:33,443,431, G>C on the plus strand (C>G on the coding strand, the complement: SNTA1 is on the minus strand). VCF-style: chr20-33443431-G-C. GRCh37 (hg19) VCF-style: chr20-32031237-G-C.
Other names: c.190C>G, p.Leu64Val (NM_001424413.1, NM_001424414.1); short protein forms L64V.
Identifiers: ClinVar variation 2625063 (VCV002625063.2), dbSNP rs1429235771, ClinGen allele CA408634232.

ClinVar aggregate classification (germline): Uncertain significance (1 of 4 stars; one submission).

Conditions:
Cardiovascular phenotype. Identifiers: MedGen CN230736.

Submission:

Ambry Genetics
Classification: Uncertain significance for Cardiovascular phenotype. Last evaluated: 2023-09-07. Review status: criteria provided, single submitter. Criteria: Ambry Variant Classification Scheme 2023. Collection method: clinical testing. Allele origin: germline.
Comment: The p.L64V variant (also known as c.190C>G), located in coding exon 1 of the SNTA1 gene, results from a C to G substitution at nucleotide position 190. The leucine at codon 64 is replaced by valine, an amino acid with highly similar properties. This amino acid position is conserved. In addition, this alteration is predicted to be tolerated by in silico analysis. Since supporting evidence is limited at this time, the clinical significance of this alteration remains unclear.